The following is an entry in ClinVar:

NM_001374828.1(ARID1B):c.4501G>A (p.Gly1501Ser)

Gene: ARID1B (AT-rich interaction domain 1B; plus strand). Cytogenetic location: 6q25.3.
Variant type: single nucleotide variant.
Coding change: c.4501G>A on transcript NM_001374828.1 (MANE Select); coding-DNA position 4501, G replaced by A.
Protein change: p.Gly1501Ser; replaces glycine 1501 with serine.
Molecular consequence: missense variant.
Genome position (GRCh38, 1-based): chr6:157,200,726, G>A. VCF-style: chr6-157200726-G-A. GRCh37 (hg19) VCF-style: chr6-157521860-G-A.
Other names: c.4252G>A, p.Gly1418Ser (NM_001346813.1); c.2002G>A, p.Gly668Ser (NM_001363725.2); c.4381G>A, p.Gly1461Ser (NM_001371656.1, NM_001374820.1); c.4342G>A, p.Gly1448Ser (NM_017519.3); c.4132G>A, p.Gly1378Ser (NM_020732.3); c.3919G>A, p.Gly1307Ser (NM_175863.2); short protein forms G1307S, G1378S, G1418S, G1448S, G1461S, G1501S, G668S.
Identifiers: ClinVar variation 2572713 (VCV002572713.3), dbSNP rs746412839, ClinGen allele CA4067646.
Genomic context (GRCh38, chr6:157,200,726, plus strand): 5'-AGAGCACATCAGGATGATTTGTCTTTCTGTGAATTCCAGAATTACAAACGCCATATGGAC[G>A]GCATGTACGGGCCCCCAGCCAAGCGCCACGAGGGCGACATGTACAACATGCAGTACAGCA-3'
Protein context (NP_001361757.1, residues 1491-1511): QQPNYKRHMD[Gly1501Ser]MYGPPAKRHE

ClinVar aggregate classification (germline): Uncertain significance. Review status: criteria provided, multiple submitters, no conflicts (2 of 4 stars). 2 submissions from 2 submitters: Uncertain significance (2). Last evaluated 2024-04-02.

Allele frequency attached by ClinVar (database versions not stated): gnomAD 0.00001.
gnomAD v4.1: 9 of 1,610,660 alleles (0.00056%); highest among the groups gnomAD compares: South Asian, 0.0022%; no homozygotes.

Submissions (2):

Labcorp Genetics (formerly Invitae), Labcorp
Classification: Uncertain significance. Last evaluated: 2024-04-02. Review status: criteria provided, single submitter. Criteria: Invitae Variant Classification Sherloc (09022015). Collection method: clinical testing. Allele origin: germline.
Comment: This sequence change replaces glycine, which is neutral and non-polar, with serine, which is neutral and polar, at codon 1378 of the ARID1B protein (p.Gly1378Ser). This variant is present in population databases (rs746412839, gnomAD 0.003%). This variant has not been reported in the literature in individuals affected with ARID1B-related conditions. ClinVar contains an entry for this variant (Variation ID: 2572713). Advanced modeling of protein sequence and biophysical properties (such as structural, functional, and spatial information, amino acid conservation, physicochemical variation, residue mobility, and thermodynamic stability) has been performed at Invitae for this missense variant, however the output from this modeling did not meet the statistical confidence thresholds required to predict the impact of this variant on ARID1B protein function. In summary, the available evidence is currently insufficient to determine the role of this variant in disease. Therefore, it has been classified as a Variant of Uncertain Significance.

GeneDx
Classification: Uncertain significance. Last evaluated: 2023-01-13. Review status: criteria provided, single submitter. Criteria: GeneDx Variant Classification Process June 2021. Collection method: clinical testing. Allele origin: germline. Affected: yes.
Comment: In silico analysis supports that this missense variant has a deleterious effect on protein structure/function; Has not been previously published as pathogenic or benign to our knowledge